The following is an entry in ClinVar:

ClinVar aggregate classification (germline): Uncertain significance. Review status: criteria provided, multiple submitters, no conflicts (2 of 4 stars). 3 submissions from 3 submitters: Uncertain significance (2). 1 of the submissions does not count toward it. Last evaluated 2025-04-11.

Conditions:
Fanconi anemia (FA). Also called: Fanconi's anemia. Identifiers: Orphanet 84, MedGen C0015625, MeSH D005199, MONDO:0019391.
Hereditary cancer-predisposing syndrome. Also called: Hereditary neoplastic syndrome; Neoplastic Syndromes, Hereditary; Tumor predisposition; Hereditary Cancer Syndrome. Identifiers: Orphanet 140162, MedGen C0027672, MeSH D009386, MONDO:0015356.

Allele frequency attached by ClinVar (database versions not stated): ExAC 0.00001; gnomAD 0.00001.
gnomAD v4.1: 1 of 1,613,896 alleles (0.000062%); highest among the groups gnomAD compares: Non-Finnish European, 0.000085%; no homozygotes.

Submissions (3):

Ambry Genetics
Classification: Uncertain significance for Hereditary cancer-predisposing syndrome. Last evaluated: 2025-04-11. Review status: criteria provided, single submitter. Criteria: Ambry Variant Classification Scheme 2023. Collection method: clinical testing. Allele origin: germline.
Comment: The p.E521A variant (also known as c.1562A>C), located in coding exon 14 of the FANCC gene, results from an A to C substitution at nucleotide position 1562. The glutamic acid at codon 521 is replaced by alanine, an amino acid with dissimilar properties. This amino acid position is conserved. In addition, this alteration is predicted to be tolerated by in silico analysis. Since supporting evidence is limited at this time, the clinical significance of this alteration remains unclear.

Labcorp Genetics (formerly Invitae), Labcorp
Classification: Uncertain significance for Fanconi anemia. Last evaluated: 2019-04-17. Review status: criteria provided, single submitter. Criteria: Invitae Variant Classification Sherloc (09022015). Collection method: clinical testing. Allele origin: germline.
Comment: This variant is present in population databases (rs781445050, ExAC 0.002%). This variant has not been reported in the literature in individuals with FANCC-related conditions. Algorithms developed to predict the effect of missense changes on protein structure and function are either unavailable or do not agree on the potential impact of this missense change (SIFT: "Deleterious"; PolyPhen-2: "Probably Damaging"; Align-GVGD: "Class C0"). In summary, the available evidence is currently insufficient to determine the role of this variant in disease. Therefore, it has been classified as a Variant of Uncertain Significance. This sequence change replaces glutamic acid with alanine at codon 521 of the FANCC protein (p.Glu521Ala). The glutamic acid residue is highly conserved and there is a moderate physicochemical difference between glutamic acid and alanine.

Natera, Inc.
Classification: Uncertain significance for Fanconi anemia. Last evaluated: 2018-05-07. Review status: no assertion criteria provided. Collection method: clinical testing. Allele origin: germline. Not counted in ClinVar's aggregate classification.

NM_000136.3(FANCC):c.1562A>C (p.Glu521Ala)

Genes: FANCC (FA complementation group C; minus strand), AOPEP (aminopeptidase O (putative); plus strand). Cytogenetic location: 9q22.32.
Variant type: single nucleotide variant.
Coding change: c.1562A>C on transcript NM_000136.3 (MANE Select); coding-DNA position 1562, A replaced by C.
Protein change: p.Glu521Ala; replaces glutamic acid 521 with alanine.
Molecular consequence: missense variant.
Genome position (GRCh38, 1-based): chr9:95,101,822, T>G on the plus strand (A>C on the coding strand, the complement: FANCC is on the minus strand). VCF-style: chr9-95101822-T-G. GRCh37 (hg19) VCF-style: chr9-97864104-T-G.
Other names: c.1562A>C, p.Glu521Ala (NM_001243743.2); short protein forms E521A.
Identifiers: ClinVar variation 949422 (VCV000949422.17), dbSNP rs781445050, ClinGen allele CA5137296.